The following is an entry in ClinVar:

ClinVar aggregate classification (germline): Conflicting classifications of pathogenicity. Review status: criteria provided, conflicting classifications (1 of 4 stars). 5 submissions from 5 submitters: Likely pathogenic (2); Uncertain significance (3). Last evaluated 2024-11-30.

Conditions:
MYH7-related disorder. Also called: MYH7-related condition; MYH7-related disease; MYH7-related disorders.
Hypertrophic cardiomyopathy. Also called: HYPERTROPHIC MYOCARDIOPATHY. Identifiers: Orphanet 217569, MedGen C0007194, MeSH D002312, MONDO:0005045, HP:0001639.

Submissions (5):

Labcorp Genetics (formerly Invitae), Labcorp
Classification: Likely pathogenic for Hypertrophic cardiomyopathy. Last evaluated: 2024-11-30. Review status: criteria provided, single submitter. Criteria: Invitae Variant Classification Sherloc (09022015). Collection method: clinical testing. Allele origin: germline.
Comment: This sequence change replaces glutamic acid, which is acidic and polar, with aspartic acid, which is acidic and polar, at codon 848 of the MYH7 protein (p.Glu848Asp). This variant is not present in population databases (gnomAD no frequency). This missense change has been observed in individual(s) with hypertrophic cardiomyopathy (PMID: 30847666, 33673806, 37652022; internal data). ClinVar contains an entry for this variant (Variation ID: 181374). Invitae Evidence Modeling of protein sequence and biophysical properties (such as structural, functional, and spatial information, amino acid conservation, physicochemical variation, residue mobility, and thermodynamic stability) indicates that this missense variant is expected to disrupt MYH7 protein function with a positive predictive value of 95%. This variant disrupts the p.Glu848 amino acid residue in MYH7. Other variant(s) that disrupt this residue have been determined to be pathogenic (internal data). This suggests that this residue is clinically significant, and that variants that disrupt this residue are likely to be disease-causing. In summary, the currently available evidence indicates that the variant is pathogenic, but additional data are needed to prove that conclusively. Therefore, this variant has been classified as Likely Pathogenic.

Blueprint Genetics
Classification: Likely pathogenic for MYH7-related disorders. Last evaluated: 2017-11-23. Review status: criteria provided, single submitter. Criteria: ACMG Guidelines, 2015. Collection method: clinical testing. Allele origin: germline. Affected: yes. Observed: 1 variant allele.

GeneDx
Classification: Uncertain significance. Last evaluated: 2016-10-05. Review status: criteria provided, single submitter. Criteria: GeneDx Variant Classification (06012015). Collection method: clinical testing. Allele origin: germline. Affected: yes.
Comment: A variant of uncertain significance has been identified in the MYH7 gene. The E848D variant has not been published as a pathogenic variant, nor has it been reported as a benign variant to our knowledge. However, this variant has previously been observed in other unrelated individuals referred for cardiomyopathy genetic testing at GeneDx, but segregation data is absent. In addition, this variant has been classified in ClinVar as a variant of uncertain significance by other clinical laboratories (ClinVar SCV000272040.1, SCV000280327.1; Landrum et al., 2016). The E848D variant was not observed in approximately 6,500 individuals of European and African American ancestry in the NHLBI Exome Sequencing Project, indicating it is not a common benign variant in these populations. This substitution occurs at a position that is conserved across species and 2/3 in silico prediction programs predict this variant is probably damaging to the protein structure/function. However, the E848D variant is a conservative amino acid substitution, which is not likely to impact secondary protein structure as these residues share similar properties. Furthermore, to our knowledge no studies have been performed to determine the functional effect of the E848D variant.Therefore, based on the currently available information, it is unclear whether this variant is pathogenic or benign.

Laboratory for Molecular Medicine, Mass General Brigham Personalized Medicine
Classification: Uncertain significance. Last evaluated: 2015-04-14. Review status: criteria provided, single submitter. Criteria: LMM Criteria. Collection method: clinical testing. Allele origin: germline. Observed: 2 variant alleles.
Comment: Variant classified as Uncertain Significance - Favor Pathogenic. The p.Glu848Asp in MYH7 has not been previously reported in individuals with cardiomyopathy or in large population studies. The glutamate residue (Glu) at position 848 is high ly conserved in mammals and across evolutionarily distant species, and the chang e to aspartic acid (Asp) was predicted to be pathogenic using a computational to ol clinically validated by our laboratory. This tool's pathogenic prediction is estimated to be correct 94% of the time (Jordan 2011). In summary, while there i s some suspicion for a pathogenic role, the clinical significance of the p.Glu84 8Asp variant is uncertain.

Stanford Center for Inherited Cardiovascular Disease, Stanford University
Classification: Uncertain significance. Last evaluated: 2014-11-29. Review status: criteria provided, single submitter. Criteria: ACMG Guidelines, 2015. Collection method: provider interpretation. Allele origin: germline.

Literature cited by the submitters: PubMed 30847666 (cited by Labcorp Genetics (formerly Invitae), Labcorp); PubMed 33673806 (cited by Labcorp Genetics (formerly Invitae), Labcorp); PubMed 37652022 (cited by Labcorp Genetics (formerly Invitae), Labcorp).

NM_000257.4(MYH7):c.2544G>C (p.Glu848Asp)

Genes: MYH7 (myosin heavy chain 7; minus strand), LOC126861898 (BRD4-independent group 4 enhancer GRCh37_chr14:23893609-23894808; plus strand). Cytogenetic location: 14q11.2.
Variant type: single nucleotide variant.
Coding change: c.2544G>C on transcript NM_000257.4 (MANE Select); coding-DNA position 2544, G replaced by C.
Protein change: p.Glu848Asp; replaces glutamic acid 848 with aspartic acid.
Molecular consequence: missense variant.
Genome position (GRCh38, 1-based): chr14:23,424,904, C>G on the plus strand (G>C on the coding strand, the complement: MYH7 is on the minus strand). VCF-style: chr14-23424904-C-G. GRCh37 (hg19) VCF-style: chr14-23894113-C-G.
Other names: short protein forms E848D.
Identifiers: ClinVar variation 181374 (VCV000181374.12), dbSNP rs730880899, ClinGen allele CA012594.